The following is an entry in ClinVar:

NM_003052.5(SLC34A1):c.1273G>C (p.Ala425Pro)

Gene: SLC34A1 (solute carrier family 34 member 1; plus strand). Cytogenetic location: 5q35.3.
Variant type: single nucleotide variant.
Coding change: c.1273G>C on transcript NM_003052.5 (MANE Select); coding-DNA position 1273, G replaced by C.
Protein change: p.Ala425Pro; replaces alanine 425 with proline.
Molecular consequence: missense variant.
Genome position (GRCh38, 1-based): chr5:177,396,831, G>C. VCF-style: chr5-177396831-G-C. GRCh37 (hg19) VCF-style: chr5-176823832-G-C.
Other names: short protein forms A425P.
Identifiers: ClinVar variation 2636868 (VCV002636868.2), dbSNP rs1231951228, ClinGen allele CA362314622.

ClinVar aggregate classification (germline): Uncertain significance (1 of 4 stars; one submission).

Conditions:
SLC34A1-related disorder. Also called: SLC34A1-related condition; SLC34A1-related disorders.

Allele frequency attached by ClinVar (database versions not stated): gnomAD exomes below 0.00001; gnomAD 0.00002; TOPMed 0.00002.
gnomAD v4.1: 10 of 1,614,092 alleles (0.00062%); highest among the groups gnomAD compares: African/African-American, 0.0013%; no homozygotes.

Submission:

PreventionGenetics, part of Exact Sciences
Classification: Uncertain significance for SLC34A1-related condition. Last evaluated: 2025-12-10. Review status: criteria provided, single submitter. Criteria: ACMG Guidelines, 2015. Collection method: clinical testing. Allele origin: germline.
Comment: The SLC34A1 c.1273G>C variant is predicted to result in the amino acid substitution p.Ala425Pro. To our knowledge, this variant has not been reported in the literature. This variant is reported in 0.011% of alleles in individuals of African descent in gnomAD. At this time, the clinical significance of this variant is uncertain due to the absence of conclusive functional and genetic evidence.